The following is an entry in ClinVar:

ClinVar aggregate classification (germline): Benign (1 of 4 stars; one submission).

Conditions:
Familial cancer of breast. Also called: hereditary breast carcinoma; Hereditary breast cancer; BREAST CANCER, FAMILIAL. Identifiers: Orphanet 227535, MedGen C0346153, MONDO:0016419, OMIM 114480. Disease mechanism: loss of function.

Submission:

Myriad Genetics, Inc.
Classification: Benign for Familial cancer of breast. Last evaluated: 2024-08-09. Review status: criteria provided, single submitter. Criteria: Myriad Autosomal Dominant, Autosomal Recessive and X-Linked Classification Criteria (2023). Collection method: clinical testing. Allele origin: unknown.
Comment: This variant is considered benign. This variant is a silent/synonymous amino acid change and it is not expected to impact splicing.

NM_032043.3(BRIP1):c.81T>C (p.Ala27=)

Gene: BRIP1 (BRCA1 interacting DNA helicase 1; minus strand). Cytogenetic location: 17q23.2.
Variant type: single nucleotide variant.
Coding change: c.81T>C on transcript NM_032043.3 (MANE Select); coding-DNA position 81, T replaced by C.
Protein change: p.Ala27=; no amino-acid change (alanine 27 retained).
Molecular consequence: synonymous variant.
Genome position (GRCh38, 1-based): chr17:61,861,459, A>G on the plus strand (T>C on the coding strand, the complement: BRIP1 is on the minus strand). VCF-style: chr17-61861459-A-G. GRCh37 (hg19) VCF-style: chr17-59938820-A-G.
Identifiers: ClinVar variation 3378535 (VCV003378535.1).